The following is an entry in ClinVar:

ClinVar aggregate classification (germline): Uncertain significance (1 of 4 stars; one submission).

Conditions:
RASopathy. Also called: Noonan spectrum disorder; rasopathies. Identifiers: Orphanet 536391, MedGen C5555857, MONDO:0021060.

Submission:

Labcorp Genetics (formerly Invitae), Labcorp
Classification: Uncertain significance for RASopathy. Last evaluated: 2024-01-17. Review status: criteria provided, single submitter. Criteria: Invitae Variant Classification Sherloc (09022015). Collection method: clinical testing. Allele origin: germline.
Comment: This sequence change affects codon 227 of the RAF1 mRNA. It is a 'silent' change, meaning that it does not change the encoded amino acid sequence of the RAF1 protein. It affects a nucleotide within the consensus splice site. This variant is not present in population databases (gnomAD no frequency). This variant has not been reported in the literature in individuals affected with RAF1-related conditions. ClinVar contains an entry for this variant (Variation ID: 2066710). Algorithms developed to predict the effect of sequence changes on RNA splicing suggest that this variant is not likely to affect RNA splicing. In summary, the available evidence is currently insufficient to determine the role of this variant in disease. Therefore, it has been classified as a Variant of Uncertain Significance.

NM_002880.4(RAF1):c.681T>C (p.Ser227=)

Gene: RAF1 (Raf-1 proto-oncogene, serine/threonine kinase; minus strand). Cytogenetic location: 3p25.2.
Variant type: single nucleotide variant.
Coding change: c.681T>C on transcript NM_002880.4 (MANE Select); coding-DNA position 681, T replaced by C.
Protein change: p.Ser227=; no amino-acid change (serine 227 retained).
Molecular consequence: synonymous variant. On other transcripts: non-coding transcript variant (3).
Genome position (GRCh38, 1-based): chr3:12,604,289, A>G on the plus strand (T>C on the coding strand, the complement: RAF1 is on the minus strand). VCF-style: chr3-12604289-A-G. GRCh37 (hg19) VCF-style: chr3-12645788-A-G.
Other names: c.681T>C, p.Ser227= (NM_001354689.3, NM_001354690.3); c.438T>C, p.Ser146= (NM_001354691.3, NM_001354692.3, NM_001354694.3); c.582T>C, p.Phe194= (NM_001354693.3); c.339T>C, p.Phe113= (NM_001354695.3).
Identifiers: ClinVar variation 2066710 (VCV002066710.4), dbSNP rs2125398823, ClinGen allele CA432274371.
Genomic context (GRCh38, chr3:12,604,289, plus strand): 5'-AGATGAGGGACTGGAGGTGTTAAAGGTGAAGGCGTGAGGTGTAGAATATCTGTGCTGAGA[A>G]CTAGGAGGAGAAAGAAAATTCCATGATTGGCACTTAGGCTTTCATACTGGTGAAGTCTTT-3'
Protein context (NP_002871.1, residues 217-237): MRESVSRMPV[Ser227=]SQHRYSTPHA